The following is an entry in ClinVar:

ClinVar aggregate classification (germline): Pathogenic. Review status: criteria provided, multiple submitters, no conflicts (2 of 4 stars). 4 submissions from 4 submitters: Pathogenic (4). Last evaluated 2021-11-07.

Conditions:
Tuberous sclerosis 2 (TSC2). Identifiers: Orphanet 805, MedGen C1860707, MONDO:0013199, OMIM 613254.

Submissions (4):

Genome-Nilou Lab
Classification: Pathogenic for Tuberous sclerosis 2. Last evaluated: 2021-11-07. Review status: criteria provided, single submitter. Criteria: ACMG Guidelines, 2015. Collection method: clinical testing. Allele origin: germline. Affected: no.

Labcorp Genetics (formerly Invitae), Labcorp
Classification: Pathogenic for Tuberous sclerosis 2. Last evaluated: 2021-07-09. Review status: criteria provided, single submitter. Criteria: Invitae Variant Classification Sherloc (09022015). Collection method: clinical testing. Allele origin: germline.
Comment: This sequence change affects an acceptor splice site in intron 20 of the TSC2 gene. It is expected to disrupt RNA splicing. Variants that disrupt the donor or acceptor splice site typically lead to a loss of protein function (PMID: 16199547), and loss-of-function variants in TSC2 are known to be pathogenic (PMID: 10205261, 17304050). This variant is not present in population databases (ExAC no frequency). Disruption of this splice site has been observed in individual(s) with tuberous sclerosis complex (PMID: 29196670). In at least one individual the variant was observed to be de novo. ClinVar contains an entry for this variant (Variation ID: 419433). Algorithms developed to predict the effect of sequence changes on RNA splicing suggest that this variant may disrupt the consensus splice site. For these reasons, this variant has been classified as Pathogenic.

Athena Diagnostics
Classification: Pathogenic. Last evaluated: 2016-07-25. Review status: criteria provided, single submitter. Criteria: Athena Diagnostics Criteria. Collection method: clinical testing. Allele origin: germline.

GeneDx
Classification: Pathogenic. Last evaluated: 2015-07-16. Review status: criteria provided, single submitter. Criteria: GeneDx Variant Classification (06012015). Collection method: clinical testing. Allele origin: germline. Affected: yes.
Comment: The c.2221-1 G>A splice site variant in the TSC2 gene destroys the canonical splice acceptor site inintron 20. It is predicted to cause abnormal gene splicing, either leading to an abnormal message that issubject to nonsense-mediated mRNA decay, or to an abnormal protein product if the message is used forprotein translation. A different nucleotide substitution at the same position (c.2221-1 G>C) has beenpreviously reported in association with tuberous sclerosis (TSC2 LOVD; Stenson et al., 2014).Additionally, c.2221-1 G>A was not observed in approximately 6,500 individuals of European and AfricanAmerican ancestry in the NHLBI Exome Sequencing Project, indicating it is not a common benign variantin these populations. Therefore, we interpret the c.2221-1 G>A variant as pathogenic.

Literature cited by the submitters: PubMed 16199547 (cited by Labcorp Genetics (formerly Invitae), Labcorp); PubMed 10205261 (cited by Labcorp Genetics (formerly Invitae), Labcorp); PubMed 17304050 (cited by Labcorp Genetics (formerly Invitae), Labcorp); PubMed 29196670 (cited by Labcorp Genetics (formerly Invitae), Labcorp).

NM_000548.5(TSC2):c.2221-1G>A

Gene: TSC2 (TSC complex subunit 2; plus strand). Cytogenetic location: 16p13.3.
Variant type: single nucleotide variant.
Coding change: c.2221-1G>A on transcript NM_000548.5 (MANE Select); the canonical splice acceptor site of the intron before coding-DNA position 2221, G replaced by A.
Molecular consequence: splice acceptor variant.
Genome position (GRCh38, 1-based): chr16:2,072,848, G>A. VCF-style: chr16-2072848-G-A. GRCh37 (hg19) VCF-style: chr16-2122849-G-A.
Other names: c.877-1G>A (NM_001406693.1, NM_001406689.1, NM_001406690.1 and 6 more transcripts); c.2311-1G>A (NM_001406667.1, NM_001406668.1); c.1621-1G>A (NM_001406680.1, NM_001406683.1, NM_001406687.1 and 6 more transcripts); c.619-1G>A (NM_001406698.1); c.2221-1G>A (NM_001114382.3, NM_001406663.1, NM_001406664.1 and 6 more transcripts); c.2209-1G>A (NM_001406671.1, NM_001406673.1); c.1759-1G>A (NM_001406681.1); c.2110-1G>A (NM_001406670.1, NM_001318827.2, NM_001406678.1); and 3 more.
Identifiers: ClinVar variation 419433 (VCV000419433.10), dbSNP rs45517218, ClinGen allele CA16620092.
Genomic context (GRCh38, chr16:2,072,848, plus strand): 5'-CTCTGGCTACCCCGTGACCTGGCCGCTGGGGAGAGGTTTCATGCCTGGATTTGGTCATCA[G>A]CTTTCAGGCCCAAAGACACTGGAGCGGCTCCGAGGCGCCCCAGAAGGCTTCTCCAGAACT-3'